The following is an entry in ClinVar:

ClinVar aggregate classification (germline): Pathogenic (1 of 4 stars; one submission).
ClinVar aggregate classification (somatic clinical impact): Tier II - Potential (1 of 4 stars; one submission).

Conditions:
Tessier cleft. Also called: Facial cleft. Identifiers: Orphanet 141229, MedGen C0685787, MONDO:0015411, HP:0002006.
Medulloblastoma non-WNT/non-SHH group 3. Identifiers: MedGen C4330665, MONDO:0956966.

Submissions (2):

Institute for Genomic Medicine (IGM) Clinical Laboratory, Nationwide Children's Hospital
Classification: Tier II - Potential for Medulloblastoma non-WNT/non-SHH group 3. Assertion type: diagnostic. Clinical significance: supports diagnosis. Last evaluated: 2023-08-21. Review status: criteria provided, single submitter. Criteria: AMP/ASCO/CAP Guidelines, 2017. Collection method: clinical testing. Allele origin: somatic. Affected: yes.
Comment: Variant has Tier II (potential) clinical significance as a diagnostic inclusion criterion in medulloblastoma non-WNT/non-SHH group 3, based on the following evidence: 1) Assists in diagnosis alone or along with other biomarkers based on small studies or few case reports (Evidence Level D; PMIDs: 26760213, 29489754, 32025007).

Equipe Genetique des Anomalies du Developpement, Université de Bourgogne
Classification: Pathogenic for Tessier cleft. Review status: criteria provided, single submitter. Criteria: ACMG Guidelines, 2015. Collection method: clinical testing. Allele origin: de novo. Affected: yes.

Literature cited by the submitters: PubMed 26760213 (cited by Institute for Genomic Medicine (IGM) Clinical Laboratory, Nationwide Children's Hospital); PubMed 29489754 (cited by Institute for Genomic Medicine (IGM) Clinical Laboratory, Nationwide Children's Hospital); PubMed 32025007 (cited by Institute for Genomic Medicine (IGM) Clinical Laboratory, Nationwide Children's Hospital).

NM_003079.5(SMARCE1):c.310T>C (p.Trp104Arg)

Gene: SMARCE1 (SWI/SNF related BAF chromatin remodeling complex subunit E1; minus strand). Cytogenetic location: 17q21.2.
Variant type: single nucleotide variant.
Coding change: c.310T>C on transcript NM_003079.5 (MANE Select); coding-DNA position 310, T replaced by C.
Protein change: p.Trp104Arg; replaces tryptophan 104 with arginine.
Molecular consequence: missense variant.
Genome position (GRCh38, 1-based): chr17:40,636,454, A>G on the plus strand (T>C on the coding strand, the complement: SMARCE1 is on the minus strand). VCF-style: chr17-40636454-A-G. GRCh37 (hg19) VCF-style: chr17-38792706-A-G.
Other names: short protein forms W104R.
Identifiers: ClinVar variation 1172668 (VCV001172668.2), dbSNP rs2143997365, ClinGen allele CA399367242.